The following is an entry in ClinVar:

ClinVar aggregate classification (germline): Uncertain significance (1 of 4 stars; one submission).

gnomAD v4.1: 103 of 1,613,438 alleles (0.0064%); highest among the groups gnomAD compares: African/African-American, 0.11%; no homozygotes.

Submission:

Women's Health and Genetics/Laboratory Corporation of America, LabCorp
Classification: Uncertain significance. Last evaluated: 2025-09-30. Review status: criteria provided, single submitter. Criteria: LabCorp Variant Classification Summary - May 2015. Collection method: clinical testing. Allele origin: germline.
Comment: Variant summary: ITGA3 c.2410A>G (p.Met804Val) results in a conservative amino acid change in the encoded protein sequence. Algorithms developed to predict the effect of missense changes on protein structure and function all suggest that this variant is likely to be tolerated. The variant allele was found at a frequency of 8e-05 in 250664 control chromosomes (gnomAD). This frequency is not significantly higher than estimated for disease-causing variants in ITGA3, allowing no conclusion about variant significance. To our knowledge, no occurrence of c.2410A>G in individuals affected with ITGA3-related conditions and no experimental evidence demonstrating its impact on protein function have been reported. No submitters have cited clinical-significance assessments for this variant to ClinVar. Based on the evidence outlined above, the variant was classified as uncertain significance.

NM_002204.4(ITGA3):c.2410A>G (p.Met804Val)

Gene: ITGA3 (integrin subunit alpha 3; plus strand). Cytogenetic location: 17q21.33.
Variant type: single nucleotide variant.
Coding change: c.2410A>G on transcript NM_002204.4 (MANE Select); coding-DNA position 2410, A replaced by G.
Protein change: p.Met804Val; replaces methionine 804 with valine.
Molecular consequence: missense variant.
Genome position (GRCh38, 1-based): chr17:50,079,085, A>G. VCF-style: chr17-50079085-A-G. GRCh37 (hg19) VCF-style: chr17-48156449-A-G.
Other names: short protein forms M804V.
Identifiers: ClinVar variation 4535901 (VCV004535901.1).